The following is an entry in ClinVar:

ClinVar aggregate classification (germline): Uncertain significance (1 of 4 stars; one submission).

Conditions:
Hereditary cancer-predisposing syndrome. Also called: Tumor predisposition; Hereditary neoplastic syndrome; Neoplastic Syndromes, Hereditary; Hereditary Cancer Syndrome. Identifiers: Orphanet 140162, MedGen C0027672, MeSH D009386, MONDO:0015356.

Submission:

Ambry Genetics
Classification: Uncertain significance for Hereditary cancer-predisposing syndrome. Last evaluated: 2022-04-06. Review status: criteria provided, single submitter. Criteria: Ambry Variant Classification Scheme 2023. Collection method: clinical testing. Allele origin: germline.
Comment: The p.W37C variant (also known as c.111G>T), located in coding exon 1 of the FH gene, results from a G to T substitution at nucleotide position 111. The tryptophan at codon 37 is replaced by cysteine, an amino acid with highly dissimilar properties. This amino acid position is not well conserved on limited sequence alignment. In addition, the in silico prediction for this alteration is inconclusive. Since supporting evidence is limited at this time, the clinical significance of this alteration remains unclear.

NM_000143.4(FH):c.111G>T (p.Trp37Cys)

Gene: FH (fumarate hydratase; minus strand). Cytogenetic location: 1q43.
Variant type: single nucleotide variant.
Coding change: c.111G>T on transcript NM_000143.4 (MANE Select); coding-DNA position 111, G replaced by T.
Protein change: p.Trp37Cys; replaces tryptophan 37 with cysteine.
Molecular consequence: missense variant.
Genome position (GRCh38, 1-based): chr1:241,519,612, C>A on the plus strand (G>T on the coding strand, the complement: FH is on the minus strand). VCF-style: chr1-241519612-C-A. GRCh37 (hg19) VCF-style: chr1-241682912-C-A.
Other names: short protein forms W37C.
Identifiers: ClinVar variation 818376 (VCV000818376.4), dbSNP rs1573889881, ClinGen allele CA345442670.
Genomic context (GRCh38, chr1:241,519,612, plus strand): 5'-TCACTGCGGGGAGGCCGGGGGATGGCGGCCTGCGCTCACCATTCGAGCCGCGTTCGGAGG[C>A]CAAAACGAGGGCACGGCCGCGCCACCCAAGCCGGGAGCCGAAGCTAAGGCTGCGGCTGGA-3'
Protein context (NP_000134.2, residues 27-47): GLGGAAVPSF[Trp37Cys]PPNAARMASQ